The following is an entry in ClinVar:

NM_001023570.4(IQCB1):c.479T>C (p.Ile160Thr)

Gene: IQCB1 (IQ motif containing B1; minus strand). Cytogenetic location: 3q13.33.
Variant type: single nucleotide variant.
Coding change: c.479T>C on transcript NM_001023570.4 (MANE Select); coding-DNA position 479, T replaced by C.
Protein change: p.Ile160Thr; replaces isoleucine 160 with threonine.
Molecular consequence: missense variant. On other transcripts: non-coding transcript variant (1).
Genome position (GRCh38, 1-based): chr3:121,808,924, A>G on the plus strand (T>C on the coding strand, the complement: IQCB1 is on the minus strand). VCF-style: chr3-121808924-A-G. GRCh37 (hg19) VCF-style: chr3-121527771-A-G.
Other names: c.479T>C, p.Ile160Thr (NM_001023571.4, NM_001319107.2); c.479T>C (NM_001023570.2); short protein forms I160T.
Identifiers: ClinVar variation 1982803 (VCV001982803.3), dbSNP rs1282467999, ClinGen allele CA354106112.
Genomic context (GRCh38, chr3:121,808,924, plus strand): 5'-TAGCAGTTGACTCTACAATAGCTATTAGTTACATTAAAATCTTTTCTCTTACCATTCTGA[A>G]TAAGTTCAACATGGCCTCCCAAAAGCCAGAAGAGAGAATCAGTCACAATTTGGAAAAAGT-3'
Protein context (NP_001018864.2, residues 150-170): FWLLGGHVEL[Ile160Thr]QNVLQSDHFL

ClinVar aggregate classification (germline): Uncertain significance. Review status: criteria provided, multiple submitters, no conflicts (2 of 4 stars). 2 submissions from 2 submitters: Uncertain significance (2). Last evaluated 2025-10-06.

Conditions:
Inborn genetic diseases. Identifiers: MedGen C0950123, MeSH D030342.
Nephronophthisis. Also called: Juvenile Nephronophthisis. Identifiers: Orphanet 655, MedGen C0687120, MONDO:0019005, HP:0000090.

Allele frequency attached by ClinVar (database versions not stated): gnomAD 0.00002; TOPMed 0.00001; gnomAD exomes 0.00001.

Submissions (2):

Ambry Genetics
Classification: Uncertain significance for Inborn genetic diseases. Last evaluated: 2025-10-06. Review status: criteria provided, single submitter. Criteria: Ambry Variant Classification Scheme 2023. Collection method: clinical testing. Allele origin: germline.

Labcorp Genetics (formerly Invitae), Labcorp
Classification: Uncertain significance for Nephronophthisis. Last evaluated: 2022-07-13. Review status: criteria provided, single submitter. Criteria: Invitae Variant Classification Sherloc (09022015). Collection method: clinical testing. Allele origin: germline.
Comment: This variant has not been reported in the literature in individuals affected with IQCB1-related conditions. This variant is present in population databases (no rsID available, gnomAD 0.01%). This sequence change replaces isoleucine, which is neutral and non-polar, with threonine, which is neutral and polar, at codon 160 of the IQCB1 protein (p.Ile160Thr). In summary, the available evidence is currently insufficient to determine the role of this variant in disease. Therefore, it has been classified as a Variant of Uncertain Significance. Algorithms developed to predict the effect of missense changes on protein structure and function output the following: SIFT: "Tolerated"; PolyPhen-2: "Benign"; Align-GVGD: "Class C0". The threonine amino acid residue is found in multiple mammalian species, which suggests that this missense change does not adversely affect protein function.